The following is an entry in ClinVar:

ClinVar aggregate classification (germline): Pathogenic (1 of 4 stars; one submission).

Conditions:
Mucopolysaccharidosis, MPS-IV-B (MPS4B). Also called: Mucopolysaccharidosis type 4B; Mucopolysaccharidosis type IVB (Morquio); MPS IVB; MORQUIO SYNDROME B; Mucopolysaccharidosis type IV B; Mucopolysaccharidosis Type IVB. Identifiers: Orphanet 309310, Orphanet 582, MedGen C0086652, MONDO:0009660, OMIM 253010.
GM1 gangliosidosis. Identifiers: Orphanet 354, MedGen C0085131, MONDO:0018149.

Submission:

Labcorp Genetics (formerly Invitae), Labcorp
Classification: Pathogenic for Mucopolysaccharidosis, MPS-IV-B; GM1 gangliosidosis. Last evaluated: 2022-12-04. Review status: criteria provided, single submitter. Criteria: Invitae Variant Classification Sherloc (09022015). Collection method: clinical testing. Allele origin: germline.
Comment: This variant is not present in population databases (gnomAD no frequency). This missense change has been observed in individual(s) with GM1-gangliosidosis (PMID: 29451896; Invitae). In at least one individual the data is consistent with being in trans (on the opposite chromosome) from a pathogenic variant. It has also been observed to segregate with disease in related individuals. Advanced modeling of protein sequence and biophysical properties (such as structural, functional, and spatial information, amino acid conservation, physicochemical variation, residue mobility, and thermodynamic stability) performed at Invitae indicates that this missense variant is expected to disrupt GLB1 protein function. For these reasons, this variant has been classified as Pathogenic. This sequence change replaces aspartic acid, which is acidic and polar, with glycine, which is neutral and non-polar, at codon 568 of the GLB1 protein (p.Asp568Gly).

Literature cited by the submitters: PubMed 29451896.

NM_000404.4(GLB1):c.1703A>G (p.Asp568Gly)

Gene: GLB1 (galactosidase beta 1; minus strand). Cytogenetic location: 3p22.3.
Variant type: single nucleotide variant.
Coding change: c.1703A>G on transcript NM_000404.4 (MANE Select); coding-DNA position 1703, A replaced by G.
Protein change: p.Asp568Gly; replaces aspartic acid 568 with glycine.
Molecular consequence: missense variant.
Genome position (GRCh38, 1-based): chr3:33,014,087, T>C on the plus strand (A>G on the coding strand, the complement: GLB1 is on the minus strand). VCF-style: chr3-33014087-T-C. GRCh37 (hg19) VCF-style: chr3-33055579-T-C.
Other names: c.1613A>G, p.Asp538Gly (NM_001079811.3); c.1310A>G, p.Asp437Gly (NM_001135602.3); c.1847A>G, p.Asp616Gly (NM_001317040.2); c.1703A>G, p.Asp568Gly (NM_001393580.1); short protein forms D616G, D437G, D538G, D568G.
Identifiers: ClinVar variation 2927178 (VCV002927178.3), dbSNP rs2471247981, ClinGen allele CA351983734.
Genomic context (GRCh38, chr3:33,014,087, plus strand): 5'-ATTCAAACCCTTCCCATGAAGACACGTACCTTGGTCCATCCAGGAAACTGGATAAAGGTG[T>C]CCTGGGGCAAGTCTGGGATCCCACTGGGAATGGAGAAGTTCCCCATATAAAAGGCCGGGA-3'
Protein context (NP_000395.3, residues 558-578): IPSGIPDLPQ[Asp568Gly]TFIQFPGWTK